The following is an entry in ClinVar:

NM_001370658.1(BTD):c.739G>T (p.Val247Leu)

Gene: BTD (biotinidase; plus strand). Cytogenetic location: 3p25.1.
Variant type: single nucleotide variant.
Coding change: c.739G>T on transcript NM_001370658.1 (MANE Select); coding-DNA position 739, G replaced by T.
Protein change: p.Val247Leu; replaces valine 247 with leucine.
Molecular consequence: missense variant. On other transcripts: intron variant (6).
Genome position (GRCh38, 1-based): chr3:15,644,655, G>T. VCF-style: chr3-15644655-G-T. GRCh37 (hg19) VCF-style: chr3-15686162-G-T.
Other names: c.739G>T, p.Val247Leu (NM_001281723.4, NM_001281724.3, NM_001281725.3 and 18 more transcripts); c.399+2598G>T (NM_001370753.1, NM_001407400.1, NM_001407380.1 and 3 more transcripts); c.799G>T, p.Val267Leu (NM_000060.4); short protein forms V247L, V267L.
Identifiers: ClinVar variation 809437 (VCV000809437.45), dbSNP rs1443274190, ClinGen allele CA351607248.

ClinVar aggregate classification (germline): Uncertain significance. Review status: criteria provided, multiple submitters, no conflicts (2 of 4 stars). 2 submissions from 2 submitters: Uncertain significance (2). Last evaluated 2022-09-13.

Submissions (2):

Quest Diagnostics Nichols Institute San Juan Capistrano
Classification: Uncertain significance. Last evaluated: 2022-09-13. Review status: criteria provided, single submitter. Criteria: Quest Diagnostics criteria. Collection method: clinical testing. Allele origin: unknown.
Comment: To the best of our knowledge, the variant has not been reported in the published literature. It also has not been reported in large, multi-ethnic general populations. Analysis of this variant using bioinformatics tools for the prediction of the effect of amino acid changes on protein structure and function yielded predictions that this variant is benign. Based on the available information, we are unable to determine the clinical significance of this variant.

CeGaT Center for Human Genetics Tuebingen
Classification: Uncertain significance. Last evaluated: 2018-02-01. Review status: criteria provided, single submitter. Criteria: CeGaT Center For Human Genetics Tuebingen Variant Classification Criteria Version 2. Collection method: clinical testing. Allele origin: germline. Affected: yes. Observed: 1 variant allele.